The following is an entry in ClinVar:

ClinVar aggregate classification (germline): Conflicting classifications of pathogenicity. Review status: criteria provided, conflicting classifications (1 of 4 stars). 13 submissions from 13 submitters: Uncertain significance (2); Benign (1); Likely benign (8). 2 of the submissions do not count toward it. Last evaluated 2026-02-03.

Conditions:
AXIN2-related disorder.
Hereditary cancer-predisposing syndrome. Also called: Hereditary neoplastic syndrome; Tumor predisposition; Neoplastic Syndromes, Hereditary; Hereditary Cancer Syndrome. Identifiers: Orphanet 140162, MedGen C0027672, MeSH D009386, MONDO:0015356.
Oligodontia-cancer predisposition syndrome. Also called: TOOTH AGENESIS-COLORECTAL CANCER SYNDROME. Identifiers: Orphanet 300576, MedGen C1837750, MONDO:0012075, OMIM 608615. Disease mechanism: loss of function.

Allele frequency attached by ClinVar (database versions not stated): gnomAD 0.00006 and 0.00023; ESP Exome Variant Server 0.00015; 1000 Genomes Project 30x 0.00016; 1000 Genomes Project 0.00020; ExAC 0.00023; gnomAD exomes 0.00024; TOPMed 0.00034.
gnomAD v4.1: 313 of 1,614,160 alleles (0.019%); highest among the groups gnomAD compares: Middle Eastern, 0.36%; 2 homozygotes.

Submissions (13):

Labcorp Genetics (formerly Invitae), Labcorp
Classification: Likely benign for Oligodontia-cancer predisposition syndrome. Last evaluated: 2026-02-03. Review status: criteria provided, single submitter. Criteria: Invitae Variant Classification Sherloc (09022015). Collection method: clinical testing. Allele origin: germline.

Center for Genomic Medicine, Rigshospitalet, Copenhagen University Hospital
Classification: Uncertain significance. Last evaluated: 2025-12-29. Review status: criteria provided, single submitter. Criteria: ACMG Guidelines, 2015. Collection method: clinical testing. Allele origin: germline.

Dasa
Classification: Likely benign. Last evaluated: 2025-12-22. Review status: criteria provided, single submitter. Criteria: DASA Assertion Criteria. Collection method: clinical testing. Allele origin: germline.
Comment: NM_004655.4(AXIN2):c.623C>T (p.Ala208Val) is a missense variant that results in the substitution of alanine with valine. Population frequency is inconsistent with a disease-causing role for this variant, and the variant context is inconsistent with a known disease-causing mechanism. Computational prediction algorithms are consistent with a benign effect. Therefore, based on the currently available evidence, this variant is classified as likely benign.

Women's Health and Genetics/Laboratory Corporation of America, LabCorp
Classification: Likely benign. Last evaluated: 2025-12-12. Review status: criteria provided, single submitter. Criteria: LabCorp Variant Classification Summary - May 2015. Collection method: clinical testing. Allele origin: germline.
Comment: Variant summary: AXIN2 c.623C>T (p.Ala208Val) results in a non-conservative amino acid change in the encoded protein sequence. Algorithms developed to predict the effect of missense changes on protein structure and function are either unavailable or do not agree on the potential impact of this missense change. The variant allele was found at a frequency of 0.00024 in 251478 control chromosomes, predominantly at a frequency of 0.00082 within the South Asian subpopulation in the gnomAD database. The observed variant frequency within South Asian control individuals in the gnomAD database exceeds the estimated maximal expected allele frequency for disease-causing variants in AXIN2. c.623C>T has been reported in the literature in settings of multigene panel testing in individuals affected with colorectal cancer, without strong evidence for causality (e.g. Vargas-Parra_2017, DeRycke_2017, Raskin_2017). These reports do not provide unequivocal conclusions about association of the variant with colorectal cancer. To our knowledge, no experimental evidence demonstrating an impact on protein function has been reported. The following publications have been ascertained in the context of this evaluation (PMID: 28944238, 29212164, 28577310). ClinVar contains an entry for this variant (Variation ID: 127947). Based on the evidence outlined above, the variant was classified as likely benign.

GeneDx
Classification: Uncertain significance. Last evaluated: 2025-08-20. Review status: criteria provided, single submitter. Criteria: GeneDx Variant Classification Process June 2021. Collection method: clinical testing. Allele origin: germline. Affected: yes.
Comment: In silico analysis suggests that this missense variant does not alter protein structure/function; Observed in individuals with a personal or family history of colorectal and other cancers (PMID: 28577310, 28944238, 29212164); This variant is associated with the following publications: (PMID: 29641532, 28944238, 29212164, 28577310)

ARUP Laboratories, Molecular Genetics and Genomics, ARUP Laboratories
Classification: Likely benign. Last evaluated: 2025-04-29. Review status: criteria provided, single submitter. Criteria: ARUP Molecular Germline Variant Investigation Process 2024. Collection method: clinical testing. Allele origin: germline.

Quest Diagnostics Nichols Institute San Juan Capistrano
Classification: Likely benign. Last evaluated: 2025-01-03. Review status: criteria provided, single submitter. Criteria: Quest Diagnostics criteria. Collection method: clinical testing. Allele origin: unknown.

Blueprint Genetics
Classification: Likely benign. Last evaluated: 2024-11-01. Review status: criteria provided, single submitter. Criteria: ACMG Guidelines, 2015. Collection method: clinical testing. Allele origin: germline.

Ambry Genetics
Classification: Likely benign for Hereditary cancer-predisposing syndrome. Last evaluated: 2023-02-27. Review status: criteria provided, single submitter. Criteria: Ambry Variant Classification Scheme 2023. Collection method: clinical testing. Allele origin: germline.

Sema4
Classification: Likely benign for Hereditary cancer-predisposing syndrome. Last evaluated: 2021-06-22. Review status: criteria provided, single submitter. Criteria: Sema4 Curation Guidelines. Collection method: curation. Allele origin: germline.

Illumina Laboratory Services, Illumina
Classification: Benign for Oligodontia-cancer predisposition syndrome. Last evaluated: 2018-01-13. Review status: criteria provided, single submitter. Criteria: ICSL Variant Classification Criteria 13 December 2019. Collection method: clinical testing. Allele origin: germline.
Comment: This variant was observed in the ICSL laboratory as part of a predisposition screen in an ostensibly healthy population. It had not been previously curated by ICSL or reported in the Human Gene Mutation Database (HGMD: prior to June 1st, 2018), and was therefore a candidate for classification through an automated scoring system. Utilizing variant allele frequency, disease prevalence and penetrance estimates, and inheritance mode, an automated score was calculated to assess if this variant is too frequent to cause the disease. Based on the score and internal cut-off values, a variant classified as benign is not then subjected to further curation. The score for this variant resulted in a classification of benign for this disease.

PreventionGenetics, part of Exact Sciences
Classification: Likely benign for AXIN2-related condition. Last evaluated: 2024-01-02. Review status: no assertion criteria provided. Collection method: clinical testing. Allele origin: germline. Not counted in ClinVar's aggregate classification.
Comment: This variant is classified as likely benign based on ACMG/AMP sequence variant interpretation guidelines (Richards et al. 2015 PMID: 25741868, with internal and published modifications).

Department of Pathology and Laboratory Medicine, Sinai Health System
Classification: Uncertain significance. Review status: no assertion criteria provided. Collection method: clinical testing. Allele origin: unknown. Affected: yes. Study: The Canadian Open Genetics Repository (COGR). Not counted in ClinVar's aggregate classification.
Comment: The AXIN2 p.Ala208Val variant was identified in dbSNP (ID: rs201531372), ClinVar (classified as likely benign by Illumina and as a VUS by GeneDx and Invitae for Oligodontia-colorectal cancer syndrome) and LOVD 3.0 but was not found in Cosmic. The variant was identified in control databases in 63 of 282882 chromosomes at a frequency of 0.000223 (Genome Aggregation Database Feb 27, 2017). The variant was observed in the following populations: South Asian in 25 of 30616 chromosomes (freq: 0.000817), Other in 3 of 7228 chromosomes (freq: 0.000415), Latino in 8 of 35440 chromosomes (freq: 0.000226), European (non-Finnish) in 25 of 129186 chromosomes (freq: 0.000194), Ashkenazi Jewish in 1 of 10368 chromosomes (freq: 0.000096) and European (Finnish) in 1 of 25124 chromosomes (freq: 0.00004); it was not observed in the African and East Asian populations. The c.623C>T variant was identified somatically in one patient affected with Lynch Syndrome (Vargas-Parra_2017_PMID: 28566310). The variant occurs outside of the splicing consensus sequence and in silico or computational prediction software programs (SpliceSiteFinder, MaxEntScan, NNSPLICE, GeneSplicer) do not predict a difference in splicing. The p.Ala208 residue is conserved in mammals but not in more distantly related organisms however four out of five computational analyses (PolyPhen-2, SIFT, AlignGVGD, BLOSUM, MutationTaster) do not suggest a high likelihood of impact to the protein; this information is not predictive enough to rule out pathogenicity. In summary, based on the above information, the clinical significance of this variant canont be determined with certainty at this time. The variant is classified as a variant of uncertain significance.

Literature cited by the submitters: PubMed 28944238 (cited by 3 submitters); PubMed 29212164 (cited by 3 submitters); PubMed 28577310 (cited by 3 submitters); PubMed 27153395 (cited by Ambry Genetics).

NM_004655.4(AXIN2):c.623C>T (p.Ala208Val)

Gene: AXIN2 (axin 2; minus strand). Cytogenetic location: 17q24.1.
Variant type: single nucleotide variant.
Coding change: c.623C>T on transcript NM_004655.4 (MANE Select); coding-DNA position 623, C replaced by T.
Protein change: p.Ala208Val; replaces alanine 208 with valine.
Molecular consequence: missense variant.
Genome position (GRCh38, 1-based): chr17:65,557,998, G>A on the plus strand (C>T on the coding strand, the complement: AXIN2 is on the minus strand). VCF-style: chr17-65557998-G-A. GRCh37 (hg19) VCF-style: chr17-63554116-G-A.
Other names: p.A208V:GCT>GTT; c.623C>T (LRG_296t1); c.623C>T, p.Ala208Val (NM_001363813.1); short protein forms A208V.
Identifiers: ClinVar variation 127947 (VCV000127947.58), dbSNP rs201531372, ClinGen allele CA288116.